The following is an entry in ClinVar:

NM_005359.6(SMAD4):c.1145A>C (p.His382Pro)

Gene: SMAD4 (SMAD family member 4; plus strand). Cytogenetic location: 18q21.2.
Variant type: single nucleotide variant.
Coding change: c.1145A>C on transcript NM_005359.6 (MANE Select); coding-DNA position 1145, A replaced by C.
Protein change: p.His382Pro; replaces histidine 382 with proline.
Molecular consequence: missense variant. On other transcripts: non-coding transcript variant (1).
Genome position (GRCh38, 1-based): chr18:51,067,024, A>C. VCF-style: chr18-51067024-A-C. GRCh37 (hg19) VCF-style: chr18-48593394-A-C.
Other names: c.1145A>C, p.His382Pro (NM_001407041.1, NM_001407042.1); short protein forms H382P.
Identifiers: ClinVar variation 2993844 (VCV002993844.3), dbSNP rs2144451709, ClinGen allele CA402464719.

ClinVar aggregate classification (germline): Uncertain significance (1 of 4 stars; one submission).

Conditions:
Juvenile polyposis syndrome (JPS). Identifiers: Orphanet 2929, MedGen C0345893, MONDO:0017380, OMIM 174900.

Submission:

Labcorp Genetics (formerly Invitae), Labcorp
Classification: Uncertain significance for Juvenile polyposis syndrome. Last evaluated: 2023-05-23. Review status: criteria provided, single submitter. Criteria: Invitae Variant Classification Sherloc (09022015). Collection method: clinical testing. Allele origin: germline.
Comment: In summary, the available evidence is currently insufficient to determine the role of this variant in disease. Therefore, it has been classified as a Variant of Uncertain Significance. Advanced modeling of protein sequence and biophysical properties (such as structural, functional, and spatial information, amino acid conservation, physicochemical variation, residue mobility, and thermodynamic stability) has been performed at Invitae for this missense variant, however the output from this modeling did not meet the statistical confidence thresholds required to predict the impact of this variant on SMAD4 protein function. This variant has not been reported in the literature in individuals affected with SMAD4-related conditions. This variant is not present in population databases (gnomAD no frequency). This sequence change replaces histidine, which is basic and polar, with proline, which is neutral and non-polar, at codon 382 of the SMAD4 protein (p.His382Pro).